The following is an entry in ClinVar:

ClinVar aggregate classification (germline): Uncertain significance. Review status: criteria provided, single submitter (1 of 4 stars). 2 submissions from 2 submitters: Uncertain significance (1). 1 of the submissions does not count toward it. Last evaluated 2022-12-12.

Conditions:
KANK1-related disorder. Also called: KANK1-related condition.

Allele frequency attached by ClinVar (database versions not stated): ExAC 0.00002; TOPMed 0.00008; gnomAD exomes 0.00001; gnomAD 0.00007.
gnomAD v4.1: 36 of 1,614,188 alleles (0.0022%); highest among the groups gnomAD compares: African/African-American, 0.027%; no homozygotes.

Submissions (2):

Labcorp Genetics (formerly Invitae), Labcorp
Classification: Uncertain significance. Last evaluated: 2022-12-12. Review status: criteria provided, single submitter. Criteria: Invitae Variant Classification Sherloc (09022015). Collection method: clinical testing. Allele origin: germline.
Comment: This sequence change replaces lysine, which is basic and polar, with arginine, which is basic and polar, at codon 1314 of the KANK1 protein (p.Lys1314Arg). This variant is present in population databases (rs112726122, gnomAD 0.01%). This variant has not been reported in the literature in individuals affected with KANK1-related conditions. Algorithms developed to predict the effect of missense changes on protein structure and function are either unavailable or do not agree on the potential impact of this missense change (SIFT: "Tolerated"; PolyPhen-2: "Possibly Damaging"; Align-GVGD: "Class C0"). Algorithms developed to predict the effect of sequence changes on RNA splicing suggest that this variant may disrupt the consensus splice site. In summary, the available evidence is currently insufficient to determine the role of this variant in disease. Therefore, it has been classified as a Variant of Uncertain Significance.

PreventionGenetics, part of Exact Sciences
Classification: Uncertain significance for KANK1-related condition. Last evaluated: 2024-04-06. Review status: no assertion criteria provided. Collection method: clinical testing. Allele origin: germline. Not counted in ClinVar's aggregate classification.
Comment: The KANK1 c.3941A>G variant is predicted to result in the amino acid substitution p.Lys1314Arg. To our knowledge, this variant has not been reported in the literature. This variant is reported in 0.012% of alleles in individuals of African descent in gnomAD. At this time, the clinical significance of this variant is uncertain due to the absence of conclusive functional and genetic evidence.

NM_015158.5(KANK1):c.3941A>G (p.Lys1314Arg)

Gene: KANK1 (KN motif and ankyrin repeat domains 1; plus strand). Cytogenetic location: 9p24.3.
Variant type: single nucleotide variant.
Coding change: c.3941A>G on transcript NM_015158.5 (MANE Select); coding-DNA position 3941, A replaced by G.
Protein change: p.Lys1314Arg; replaces lysine 1314 with arginine.
Molecular consequence: missense variant. On other transcripts: non-coding transcript variant (1).
Genome position (GRCh38, 1-based): chr9:744,534, A>G. VCF-style: chr9-744534-A-G. GRCh37 (hg19) VCF-style: chr9-744534-A-G.
Other names: c.3941A>G, p.Lys1314Arg (NM_001256876.3, NM_001256877.3, NM_001354334.2); c.3701A>G, p.Lys1234Arg (NM_001354331.2); c.3887A>G, p.Lys1296Arg (NM_001354332.2); c.3467A>G, p.Lys1156Arg (NM_001354333.2, NM_001354335.2, NM_001354337.2 and 2 more transcripts); c.3173A>G, p.Lys1058Arg (NM_001354336.2); c.3413A>G, p.Lys1138Arg (NM_001354338.2, NM_001354340.2, NM_001354344.2); c.3227A>G, p.Lys1076Arg (NM_001354339.2, NM_001354342.2, NM_001354343.2); c.3941A>G (NM_015158.3); short protein forms K1234R, K1296R, K1314R, K1058R, K1138R, K1076R, K1156R.
Identifiers: ClinVar variation 2071969 (VCV002071969.5), dbSNP rs112726122, ClinGen allele CA4961270.